The following is an entry in ClinVar:

ClinVar aggregate classification (germline): Uncertain significance (1 of 4 stars; one submission).

Conditions:
Hereditary cancer-predisposing syndrome. Also called: Neoplastic Syndromes, Hereditary; Tumor predisposition; Hereditary Cancer Syndrome; Hereditary neoplastic syndrome. Identifiers: Orphanet 140162, MedGen C0027672, MeSH D009386, MONDO:0015356.

Submission:

Ambry Genetics
Classification: Uncertain significance for Hereditary cancer-predisposing syndrome. Last evaluated: 2018-03-22. Review status: criteria provided, single submitter. Criteria: Ambry Variant Classification Scheme 2023. Collection method: clinical testing. Allele origin: germline.
Comment: The c.2310dupT variant, located in coding exon 11 of the BARD1 gene, results from a duplication of T at nucleotide position 2310, causing a translational frameshift with a predicted alternate stop codon (p.E771*). Premature stop codons are typically deleterious in nature, however, this stop codon occurs at the 3' terminus of BARD1, is not expected to trigger nonsense-mediated mRNA decay, and impacts only the last 7 amino acids of the protein. The exact functional impact of these removed amino acids is unknown at this time. Since supporting evidence is limited at this time, the clinical significance of this alteration remains unclear.

NM_000465.4(BARD1):c.2310dup (p.Glu771Ter)

Gene: BARD1 (BRCA1 associated RING domain 1; minus strand). Cytogenetic location: 2q35.
Variant type: Duplication.
Coding change: c.2310dup on transcript NM_000465.4 (MANE Select); coding-DNA position 2310, one base duplicated (T; older notation c.2310dupT).
Protein change: p.Glu771Ter; replaces glutamic acid 771 with a stop codon.
Molecular consequence: nonsense. On other transcripts: non-coding transcript variant (3).
Genome position (GRCh38, 1-based): chr2:214,728,700, A duplicated on the plus strand (T on the coding strand, the reverse complement: BARD1 is on the minus strand); the first of 3 consecutive A bases (chr2:214,728,700-214,728,702); duplicating any one gives the same sequence. VCF-style (leftmost placement, unchanged base first): chr2-214728699-C-CA. GRCh37 (hg19) VCF-style: chr2-215593423-C-CA.
Other names: c.2253dup, p.Glu752Ter (NM_001282543.2); c.957dup, p.Glu320Ter (NM_001282545.2); c.900dup, p.Glu301Ter (NM_001282548.2); c.771dup, p.Glu258Ter (NM_001282549.2); short protein forms E771*, E258*, E320*, E752*, E301*.
Identifiers: ClinVar variation 821073 (VCV000821073.4), dbSNP rs1574701652, ClinGen allele CA915941704.